The following is an entry in ClinVar:

ClinVar aggregate classification (germline): Pathogenic. Review status: criteria provided, multiple submitters, no conflicts (2 of 4 stars). 26 submissions from 26 submitters: Pathogenic (25). 1 of the submissions does not count toward it. Last evaluated 2026-04-01.

Conditions:
Abnormal lymph node morphology. Identifiers: MedGen C0149727, HP:0002733.
Cervical lymphadenopathy. Identifiers: MedGen C0235592, HP:0025289.
Increased nuchal translucency. Identifiers: MedGen C4023676, HP:0010880.
NF1-related disorder. Also called: NF1-related condition. Identifiers: MedGen CN379171.
Hereditary cancer-predisposing syndrome. Also called: Tumor predisposition; Neoplastic Syndromes, Hereditary; Hereditary Cancer Syndrome; Hereditary neoplastic syndrome. Identifiers: Orphanet 140162, MedGen C0027672, MeSH D009386, MONDO:0015356.
Neurofibromatosis, type 1 (NF1). Also called: Peripheral type neurofibromatosis; Neurofibromatosis, type I; NEUROFIBROMATOSIS, TYPE I, SOMATIC; VON RECKLINGHAUSEN DISEASE. Identifiers: Orphanet 636, MedGen C0027831, MONDO:0018975, OMIM 162200. Disease mechanism: loss of function.
Juvenile myelomonocytic leukemia (JMML). Also called: LEUKEMIA, JUVENILE MYELOMONOCYTIC, SOMATIC. Identifiers: Orphanet 86834, MedGen C0349639, MONDO:0011908, OMIM 607785, HP:0012209.

Submissions 1 to 10 of 26:

Department of Genetics, Sultan Qaboos University Hospital
Classification: Pathogenic for Neurofibromatosis, type 1. Last evaluated: 2026-04-01. Review status: criteria provided, single submitter. Criteria: ACMG Guidelines, 2015. Collection method: clinical testing. Allele origin: germline. Affected: yes. Observed: 1 variant allele.
Comment: PVS1,PM2,PP5_Very_Strong

Variantyx, Inc.
Classification: Pathogenic for Neurofibromatosis, type 1. Last evaluated: 2026-01-15. Review status: criteria provided, single submitter. Criteria: Variantyx Assertion Criteria 2022. Collection method: clinical testing. Allele origin: germline. Inheritance: Autosomal dominant inheritance. Affected: yes.
Comment: This is a frameshift variant in the NF1 gene (OMIM: 613113). Pathogenic variants in this gene have been associated with autosomal dominant neurofibromatosis type 1. This variant introduces a premature termination codon in exon 26 out of 58 and is expected to result in loss of function, which is a known disease mechanism for NF1 in this disorder (PMID:20301288) (PVS1). This variant has been reported in many unrelated affected individuals (PMID: 9003501, 18546366, 21838856, 34427956) (PS4_Very_Strong), while it is absent from control populations (PM2). Based on the current evidence, this variant is classified as pathogenic for autosomal dominant neurofibromatosis type 1.

Myriad Genetics, Inc.
Classification: Pathogenic for Neurofibromatosis, type 1. Last evaluated: 2025-12-23. Review status: criteria provided, single submitter. Criteria: Myriad Autosomal Dominant, Autosomal Recessive and X-Linked Classification Criteria (2023). Collection method: clinical testing. Allele origin: unknown.
Comment: This variant is considered pathogenic. This variant creates a frameshift predicted to result in premature protein truncation.

Labcorp Genetics (formerly Invitae), Labcorp
Classification: Pathogenic for Neurofibromatosis, type 1. Last evaluated: 2025-10-06. Review status: criteria provided, single submitter. Criteria: Invitae Variant Classification Sherloc (09022015). Collection method: clinical testing. Allele origin: germline.
Comment: This sequence change creates a premature translational stop signal (p.Leu1153Metfs*4) in the NF1 gene. It is expected to result in an absent or disrupted protein product. Loss-of-function variants in NF1 are known to be pathogenic (PMID: 10712197, 23913538). This variant is not present in population databases (gnomAD no frequency). This premature translational stop signal has been observed in individuals with neurofibromatosis, type 1 (PMID: 9003501, 14517963, 18546366, 21838856, 25541118, 26969325). Invitae Evidence Modeling of clinical and family history, age, sex, and reported ancestry of multiple individuals with this NF1 variant has been performed. This variant is expected to be pathogenic with a positive predictive value of at least 99%. This is a validated machine learning model that incorporates the clinical features of 1,785,918 individuals referred to our laboratory for NF1 testing. ClinVar contains an entry for this variant (Variation ID: 185963). Algorithms developed to predict the effect of sequence changes on RNA splicing suggest that this variant may disrupt the consensus splice site. For these reasons, this variant has been classified as Pathogenic.

3billion
Classification: Pathogenic for Neurofibromatosis, type 1. Last evaluated: 2025-07-07. Review status: criteria provided, single submitter. Criteria: ACMG Guidelines, 2015. Collection method: clinical testing. Allele origin: germline. Affected: yes.
Comment: The variant is not observed in the gnomAD v4.1.0 dataset. Predicted Consequence/Location: Frameshift: predicted to result in a loss or disruption of normal protein function through nonsense-mediated decay (NMD) or protein truncation. Multiple pathogenic variants are reported downstream of the variant. The variant has been reported at least twice as pathogenic with clinical assertions and evidence for the classification (ClinVar ID: VCV000185963 /PMID: 9003501 /3billion dataset). Therefore, this variant is classified as Pathogenic according to the recommendation of ACMG/AMP guideline.

Blueprint Genetics
Classification: Pathogenic for NF1-related disorders. Last evaluated: 2024-10-24. Review status: criteria provided, single submitter. Criteria: ACMG Guidelines, 2015. Collection method: clinical testing. Allele origin: germline. Affected: yes. Observed: 5 variant alleles.

ARUP Laboratories, Molecular Genetics and Genomics, ARUP Laboratories
Classification: Pathogenic. Last evaluated: 2024-04-16. Review status: criteria provided, single submitter. Criteria: ARUP Molecular Germline Variant Investigation Process 2024. Collection method: clinical testing. Allele origin: germline.
Comment: The NF1 c.3457_3460del; p.Leu1153MetfsTer4 variant (rs1321848637, ClinVar variation ID: 185963) is reported in the literature in multiple individuals affected with neurofibromatosis type 1 (selected references: Noe 2018, Upadhyaya 1997, Warejko 2018, Yao 2019), and in individuals with cancer (Kim 2021, Schwartz 2017). This variant is absent from the Genome Aggregation Database (v2.1.1), indicating it is not a common polymorphism. This variant causes a frameshift by deleting four nucleotides, so it is predicted to result in a truncated protein or mRNA subject to nonsense-mediated decay. Based on available information, this variant is considered to be pathogenic. References: Kim J et al. Frequency of Pathogenic Germline Variants in Cancer-Susceptibility Genes in the Childhood Cancer Survivor Study. JNCI Cancer Spectr. 2021 Jan 23;5(2):pkab007. PMID: 34308104. Noe M et al. Whole-exome sequencing of duodenal neuroendocrine tumors in patients with neurofibromatosis type 1. Mod Pathol. 2018 Oct;31(10):1532-1538. PMID: 29849115. Schwartz JR et al. The genomic landscape of pediatric myelodysplastic syndromes. Nat Commun. 2017 Nov 16;8(1):1557. PMID: 29146900. Upadhyaya M et al. Mutational and functional analysis of the neurofibromatosis type 1 (NF1) gene. Hum Genet. 1997 Jan;99(1):88-92. PMID: 9003501. Warejko JK et al. Whole Exome Sequencing Reveals a Monogenic Cause of Disease in Ëœ43% of 35 Families With Midaortic Syndrome. Hypertension. 2018 Apr;71(4):691-699. PMID: 29483232. Yao R et al. Clinical Presentation and Novel Pathogenic Variants among 68 Chinese Neurofibromatosis 1 Children. Genes (Basel). 2019 Oct 26;10(11):847. PMID: 31717729.

Illumina Laboratory Services, Illumina
Classification: Pathogenic for Neurofibromatosis, type 1. Last evaluated: 2023-10-24. Review status: criteria provided, single submitter. Criteria: ICSLVariantClassificationCriteria RUGD 01 April 2020. Collection method: clinical testing. Allele origin: unknown.
Comment: The NF1 c.3457_3460del p.(Leu1153MetfsTer4) variant causes a shift in the protein reading frame that is predicted to result in premature termination of the protein. Loss of normal protein function through either protein truncation or nonsense-mediated mRNA decay is expected. The p.(Leu1153MetfsTer4) variant has been reported in at least nine individuals with phenotypes consistent with neurofibromatosis type 1, including in a de novo state in at least one individual (PMID: 31717729; 33877690; 33674644; 34427956). This variant is not observed in version 2.1.1 or version 3.1.2 of the Genome Aggregation Database. Based on the available evidence, the c.3457_3460del p.(Leu1153MetfsTer4) variant is classified as pathogenic for neurofibromatosis, type 1.

Neuberg Centre For Genomic Medicine, NCGM
Classification: Pathogenic for Neurofibromatosis, type 1. Last evaluated: 2023-06-22. Review status: criteria provided, single submitter. Criteria: ACMG Guidelines, 2015. Collection method: clinical testing. Allele origin: germline. Inheritance: Autosomal dominant inheritance. Affected: yes.
Comment: The observed frameshift c.3457_3460delp.Leu1153MetfsTer4 variant in NF1 gene has been reported previously in heterozygous state in individuals affected with Neurofibromatosis type I Riva et al., 2022. This variant is absent in gnomAD Exomes. This variant has been reported to the ClinVar database as Pathogenic multiple submitters. This variant causes a frameshift starting with codon Leucine 1153, changes this amino acid to Methionine residue, and creates a premature Stop codon at position 4 of the new reading frame, denoted p.Leu1153MetfsTer4. This variant is predicted to cause loss of normal protein function through protein truncation. Loss of function variants have been previously reported to be disease causing Sabbagh et al., 2013. For these reasons, this variant has been classified as Pathogenic.

Baylor Genetics
Classification: Pathogenic for Juvenile myelomonocytic leukemia. Last evaluated: 2022-12-02. Review status: criteria provided, single submitter. Criteria: ACMG Guidelines, 2015. Collection method: clinical testing. Allele origin: unknown.

NM_001042492.3(NF1):c.3457_3460del (p.Leu1153fs)

Gene: NF1 (neurofibromin 1; plus strand). Cytogenetic location: 17q11.2.
Variant type: Deletion.
Coding change: c.3457_3460del on transcript NM_001042492.3 (MANE Select); coding-DNA positions 3457 to 3460, 4 bases deleted (CTCA; older notation c.3457_3460delCTCA).
Protein change: p.Leu1153fs; shifts the reading frame from leucine 1153.
Molecular consequence: frameshift variant.
Genome position (GRCh38, 1-based): chr17:31,232,842-31,232,845, CTCA deleted; deleting any 4 consecutive bases within chr17:31,232,841-31,232,845 gives the same sequence; the c. name uses the placement nearest the transcript's 3' end. VCF-style (leftmost placement, unchanged base first): chr17-31232840-TACTC-T. GRCh37 (hg19) VCF-style: chr17-29559858-TACTC-T.
Other names: c.3456_3459delACTC (NM_000267.3); c.3457_3460delCTCA (NM_000267.3); c.3457_3460delCTCA, p.Leu1153Metfs (NM_000267.4).
Identifiers: ClinVar variation 185963 (VCV000185963.73), dbSNP rs1321848637, ClinGen allele CA193510.
Genomic context (GRCh38, chr17:31,232,840, plus strand): 5'-GTGGCATGTCTCGGAGGCTGGCATCACTGAGGCACTGTACGGTCCTTGCAATGTCAAACT[TACTC>T]AATGCCAACGTAGACAGTGGTCTCATGCACTCCATAGGTGAGATCAAATGAAAGTTTCAT-3'